The following is an entry in ClinVar:

NM_001040108.2(MLH3):c.755del (p.Leu252fs)

Gene: MLH3 (mutL homolog 3; minus strand). Cytogenetic location: 14q24.3.
Variant type: Deletion.
Coding change: c.755del on transcript NM_001040108.2 (MANE Select); coding-DNA position 755, one base deleted (T; older notation c.755delT).
Protein change: p.Leu252fs; shifts the reading frame from leucine 252.
Molecular consequence: frameshift variant.
Genome position (GRCh38, 1-based): chr14:75,048,901, A deleted on the plus strand (T on the coding strand, the reverse complement: MLH3 is on the minus strand); the first of 5 consecutive A bases (chr14:75,048,901-75,048,905); deleting any one gives the same sequence. VCF-style (leftmost placement, unchanged base first): chr14-75048900-CA-C. GRCh37 (hg19) VCF-style: chr14-75515603-CA-C.
Other names: c.755delT (NM_001040108.1); c.755del, p.Leu252fs (NM_014381.3); short protein forms L252fs.
Identifiers: ClinVar variation 4552111 (VCV004552111.2).

ClinVar aggregate classification (germline): Pathogenic (1 of 4 stars; one submission).

Submission:

Ambry Genetics
Classification: Pathogenic. Last evaluated: 2026-05-28. Review status: criteria provided, single submitter. Criteria: Ambry Variant Classification Scheme 2023. Collection method: clinical testing. Allele origin: germline.
Comment: The c.755delT pathogenic mutation, located in coding exon 1 of the MLH3 gene, results from a deletion of one nucleotide at nucleotide position 755, causing a translational frameshift with a predicted alternate stop codon (p.L252Cfs*3). This variant is considered to be rare based on population cohorts in the Genome Aggregation Database (gnomAD). This alteration is expected to result in loss of function by premature protein truncation or nonsense-mediated mRNA decay. As such, this alteration is interpreted as a disease-causing mutation.